The following is an entry in ClinVar:

NM_000834.5(GRIN2B):c.3068T>C (p.Leu1023Pro)

Gene: GRIN2B (glutamate ionotropic receptor NMDA type subunit 2B; minus strand). Cytogenetic location: 12p13.1.
Variant type: single nucleotide variant.
Coding change: c.3068T>C on transcript NM_000834.5 (MANE Select); coding-DNA position 3068, T replaced by C.
Protein change: p.Leu1023Pro; replaces leucine 1023 with proline.
Molecular consequence: missense variant.
Genome position (GRCh38, 1-based): chr12:13,564,170, A>G on the plus strand (T>C on the coding strand, the complement: GRIN2B is on the minus strand). VCF-style: chr12-13564170-A-G. GRCh37 (hg19) VCF-style: chr12-13717104-A-G.
Other names: c.3068T>C, p.Leu1023Pro (NM_001413992.1); short protein forms L1023P.
Identifiers: ClinVar variation 4782488 (VCV004782488.1).
Genomic context (GRCh38, chr12:13,564,170, plus strand): 5'-GAGAATTTGCCGTACAGGTCACTGAGCTGGCTGTGCTTGGAGGAGGGGAGGCCGATGTCC[A>G]GGGGCTTCTTGCTGATGGACCTGGACTGGGTGGTGAAGGGTGGGTTGTCACAGTCGTAGA-3'
Protein context (NP_000825.2, residues 1013-1033): TQSRSISKKP[Leu1023Pro]DIGLPSSKHS

ClinVar aggregate classification (germline): Uncertain significance (1 of 4 stars; one submission).

Conditions:
Developmental and epileptic encephalopathy, 27 (DEE27). Also called: Epileptic encephalopathy, early infantile, 27; GRIN2B-Related Neurodevelopmental Disorder. Identifiers: Orphanet 3451, MedGen C4015316, MONDO:0014505, OMIM 616139.
Intellectual developmental disorder, autosomal dominant 6, with or without seizures. Also called: Intellectual disability, autosomal dominant 6; GRIN2B-related developmental delay, intellectual disability and autism spectrum disorder. Identifiers: Orphanet 589547, MedGen C3151411, MONDO:0013509, OMIM 613970.

gnomAD v4.1: 1 of 1,614,102 alleles (0.000062%); highest among the groups gnomAD compares: Non-Finnish European, 0.000085%; no homozygotes.

Submission:

Labcorp Genetics (formerly Invitae), Labcorp
Classification: Uncertain significance for Developmental and epileptic encephalopathy, 27; Intellectual developmental disorder, autosomal dominant 6, with or without seizures. Last evaluated: 2025-08-10. Review status: criteria provided, single submitter. Criteria: Invitae Variant Classification Sherloc (09022015). Collection method: clinical testing. Allele origin: germline.
Comment: This sequence change replaces leucine, which is neutral and non-polar, with proline, which is neutral and non-polar, at codon 1023 of the GRIN2B protein (p.Leu1023Pro). This variant is present in population databases (rs778114438, gnomAD 0.0009%). This variant has not been reported in the literature in individuals affected with GRIN2B-related conditions. Invitae Evidence Modeling of protein sequence and biophysical properties (such as structural, functional, and spatial information, amino acid conservation, physicochemical variation, residue mobility, and thermodynamic stability) indicates that this missense variant is not expected to disrupt GRIN2B protein function with a negative predictive value of 95%. In summary, the available evidence is currently insufficient to determine the role of this variant in disease. Therefore, it has been classified as a Variant of Uncertain Significance.